The following is an entry in ClinVar:

ClinVar aggregate classification (germline): Uncertain significance (1 of 4 stars; one submission).

Conditions:
Gnathodiaphyseal dysplasia (GDD). Also called: GNATHODIAPHYSEAL SCLEROSIS; OSTEOGENESIS IMPERFECTA WITH UNUSUAL SKELETAL LESIONS. Identifiers: Orphanet 53697, MedGen C1833736, MONDO:0008151, OMIM 166260.
Autosomal recessive limb-girdle muscular dystrophy type 2L (LGMDR12). Also called: Limb-girdle muscular dystrophy, type 2L; MUSCULAR DYSTROPHY, LIMB-GIRDLE, AUTOSOMAL RECESSIVE 12; Limb-Girdle Muscular Dystrophy R12 Anoctamin-5-Related (LGMD-R12). Identifiers: Orphanet 206549, MedGen C1969785, MONDO:0012652, OMIM 611307.

Submission:

Labcorp Genetics (formerly Invitae), Labcorp
Classification: Uncertain significance for Autosomal recessive limb-girdle muscular dystrophy type 2L; Gnathodiaphyseal dysplasia. Last evaluated: 2025-03-06. Review status: criteria provided, single submitter. Criteria: Invitae Variant Classification Sherloc (09022015). Collection method: clinical testing. Allele origin: germline.
Comment: This sequence change replaces alanine, which is neutral and non-polar, with aspartic acid, which is acidic and polar, at codon 630 of the ANO5 protein (p.Ala630Asp). This variant is not present in population databases (gnomAD no frequency). This variant has not been reported in the literature in individuals affected with ANO5-related conditions. Invitae Evidence Modeling of protein sequence and biophysical properties (such as structural, functional, and spatial information, amino acid conservation, physicochemical variation, residue mobility, and thermodynamic stability) indicates that this missense variant is expected to disrupt ANO5 protein function with a positive predictive value of 95%. In summary, the available evidence is currently insufficient to determine the role of this variant in disease. Therefore, it has been classified as a Variant of Uncertain Significance.

NM_213599.3(ANO5):c.1889C>A (p.Ala630Asp)

Gene: ANO5 (anoctamin 5; plus strand). Cytogenetic location: 11p14.3.
Variant type: single nucleotide variant.
Coding change: c.1889C>A on transcript NM_213599.3 (MANE Select); coding-DNA position 1889, C replaced by A.
Protein change: p.Ala630Asp; replaces alanine 630 with aspartic acid.
Molecular consequence: missense variant.
Genome position (GRCh38, 1-based): chr11:22,263,034, C>A. VCF-style: chr11-22263034-C-A. GRCh37 (hg19) VCF-style: chr11-22284580-C-A.
Other names: c.1886C>A, p.Ala629Asp (NM_001142649.2); c.1847C>A, p.Ala616Asp (NM_001410963.1); c.1844C>A, p.Ala615Asp (NM_001410964.1); c.1811C>A, p.Ala604Asp (NM_001441294.1); c.1808C>A, p.Ala603Asp (NM_001441295.1); c.1796C>A, p.Ala599Asp (NM_001441296.1); c.1769C>A, p.Ala590Asp (NM_001441297.1); c.1733C>A, p.Ala578Asp (NM_001441298.1); and 4 more; short protein forms A577D, A603D, A615D, A630D, A468D, A484D, A485D, A578D.
Identifiers: ClinVar variation 4790855 (VCV004790855.1).
Genomic context (GRCh38, chr11:22,263,034, plus strand): 5'-TGACAACCCAATTGACCATTATAATGACCGGGAAACAGATTTTTGGAAACATTAAAGAAG[C>A]CATTTATCCGTATGTATGACTTACAAGCTTTTTATTTGATTTAAGTAACCATGAGATATT-3'
Protein context (NP_998764.1, residues 620-640): GKQIFGNIKE[Ala630Asp]IYPLALNWWR